The following is an entry in ClinVar:

NM_000051.4(ATM):c.8356G>A (p.Gly2786Ser)

Genes: ATM (ATM serine/threonine kinase; plus strand), C11orf65 (chromosome 11 open reading frame 65; minus strand). Cytogenetic location: 11q22.3.
Variant type: single nucleotide variant.
Coding change: c.8356G>A on transcript NM_000051.4 (MANE Select); coding-DNA position 8356, G replaced by A.
Protein change: p.Gly2786Ser; replaces glycine 2786 with serine.
Molecular consequence: missense variant. On other transcripts: intron variant (2).
Genome position (GRCh38, 1-based): chr11:108,343,309, G>A. VCF-style: chr11-108343309-G-A. GRCh37 (hg19) VCF-style: chr11-108214036-G-A.
Other names: c.8356G>A, p.Gly2786Ser (NM_001351834.2); c.641-34238C>T (NM_001330368.2); c.695-8017C>T (NM_001351110.2); short protein forms G2786S.
Identifiers: ClinVar variation 1053619 (VCV001053619.9), dbSNP rs1167044647, ClinGen allele CA382516493.

ClinVar aggregate classification (germline): Uncertain significance (1 of 4 stars; one submission).

Conditions:
Ataxia-telangiectasia syndrome (AT). Also called: Ataxia telangiectasia (A-T); ATAXIA-TELANGIECTASIA, COMPLEMENTATION GROUP A; ATAXIA-TELANGIECTASIA, FRESNO VARIANT; Ataxia-telangiectasia; Ataxia-telangiectasia, complementation group E; LOUIS-BAR SYNDROME. Identifiers: Orphanet 100, MedGen C0004135, MONDO:0008840, OMIM 208900.

Allele frequency attached by ClinVar (database versions not stated): gnomAD exomes below 0.00001.
gnomAD v4.1: 1 of 1,613,998 alleles (0.000062%); highest among the groups gnomAD compares: Middle Eastern, 0.017%; no homozygotes.

Submission:

Labcorp Genetics (formerly Invitae), Labcorp
Classification: Uncertain significance for Ataxia-telangiectasia syndrome. Last evaluated: 2020-10-25. Review status: criteria provided, single submitter. Criteria: Invitae Variant Classification Sherloc (09022015). Collection method: clinical testing. Allele origin: germline.
Comment: This sequence change replaces glycine with serine at codon 2786 of the ATM protein (p.Gly2786Ser). The glycine residue is highly conserved and there is a small physicochemical difference between glycine and serine. This variant is not present in population databases (ExAC no frequency). This variant has not been reported in the literature in individuals with ATM-related conditions. Algorithms developed to predict the effect of missense changes on protein structure and function (SIFT, PolyPhen-2, Align-GVGD) all suggest that this variant is likely to be disruptive, but these predictions have not been confirmed by published functional studies and their clinical significance is uncertain. In summary, the available evidence is currently insufficient to determine the role of this variant in disease. Therefore, it has been classified as a Variant of Uncertain Significance.